The following is an entry in ClinVar:

ClinVar aggregate classification (germline): Uncertain significance (1 of 4 stars; one submission).

Conditions:
Cardiovascular phenotype. Identifiers: MedGen CN230736.

Submission:

Ambry Genetics
Classification: Uncertain significance for Cardiovascular phenotype. Last evaluated: 2024-01-22. Review status: criteria provided, single submitter. Criteria: Ambry Variant Classification Scheme 2023. Collection method: clinical testing. Allele origin: germline.
Comment: The p.E68Q variant (also known as c.202G>C), located in coding exon 1 of the TNXB gene, results from a G to C substitution at nucleotide position 202. The glutamic acid at codon 68 is replaced by glutamine, an amino acid with highly similar properties. This amino acid position is conserved. In addition, the in silico prediction for this alteration is inconclusive. Based on the available evidence, the clinical significance of this alteration remains unclear.

NM_001365276.2(TNXB):c.202G>C (p.Glu68Gln)

Gene: TNXB (tenascin XB; minus strand). Cytogenetic location: 6p21.33.
Variant type: single nucleotide variant.
Coding change: c.202G>C on transcript NM_001365276.2 (MANE Select); coding-DNA position 202, G replaced by C.
Protein change: p.Glu68Gln; replaces glutamic acid 68 with glutamine.
Molecular consequence: missense variant.
Genome position (GRCh38, 1-based): chr6:32,097,997, C>G on the plus strand (G>C on the coding strand, the complement: TNXB is on the minus strand). VCF-style: chr6-32097997-C-G. GRCh37 (hg19) VCF-style: chr6-32065774-C-G.
Other names: c.202G>C, p.Glu68Gln (NM_001428335.1, NM_019105.8); short protein forms E68Q.
Identifiers: ClinVar variation 3227251 (VCV003227251.1), dbSNP rs2483772276, ClinGen allele CA363492507.